The following is an entry in ClinVar:

NM_001110556.2(FLNA):c.4494C>T (p.Asp1498=)

Gene: FLNA (filamin A; minus strand). Cytogenetic location: Xq28.
Variant type: single nucleotide variant.
Coding change: c.4494C>T on transcript NM_001110556.2 (MANE Select); coding-DNA position 4494, C replaced by T.
Protein change: p.Asp1498=; no amino-acid change (aspartic acid 1498 retained).
Molecular consequence: synonymous variant.
Genome position (GRCh38, 1-based): chrX:154,358,549, G>A on the plus strand (C>T on the coding strand, the complement: FLNA is on the minus strand). VCF-style: chrX-154358549-G-A. GRCh37 (hg19) VCF-style: chrX-153586917-G-A.
Other names: p.D1498D:GAC>GAT; c.4494C>T, p.Asp1498= (NM_001456.4).
Identifiers: ClinVar variation 213449 (VCV000213449.19), dbSNP rs183948518, ClinGen allele CA323876.

ClinVar aggregate classification (germline): Benign/Likely benign. Review status: criteria provided, multiple submitters, no conflicts (2 of 4 stars). 6 submissions from 6 submitters: Benign (5); Likely benign (1). Last evaluated 2026-01-12.

Conditions:
Oto-palato-digital syndrome, type II (OPD2). Also called: FACIOPALATOOSSEOUS SYNDROME; Otopalatodigital Syndrome, Type II; Otopalatodigital Syndrome Type 2 (FLNA-OPD2); OPD II SYNDROME. Identifiers: Orphanet 669, Orphanet 90652, MedGen C1844696, MONDO:0010571, OMIM 304120.
Heterotopia, periventricular, X-linked dominant (PVNH1). Also called: X-linked periventricular heterotopia; PERIVENTRICULAR NODULAR HETEROTOPIA 1; PERIVENTRICULAR NODULAR HETEROTOPIA 4; HETEROTOPIA, PERIVENTRICULAR, 1. Identifiers: Orphanet 2149, Orphanet 82004, MedGen C1848213, MONDO:0010233, OMIM 300049.
Frontometaphyseal dysplasia (FMD1). Identifiers: Orphanet 1826, MedGen C0265293, MONDO:0015942.
Melnick-Needles syndrome (MNS). Also called: Melnick-Needles Syndrome (FLNA-MNS); MELNICK-NEEDLES OSTEODYSPLASTY; OSTEODYSPLASTY OF MELNICK AND NEEDLES. Identifiers: Orphanet 2484, MedGen C0025237, MONDO:0010650, OMIM 309350.
Familial thoracic aortic aneurysm and aortic dissection (TAAD). Also called: Thoracic aortic aneurysms and dissections. Identifiers: Orphanet 91387, MedGen C4707243, MONDO:0019625.

Allele frequency attached by ClinVar (database versions not stated): gnomAD exomes 0.00004 and 0.00019; gnomAD 0.00006 and 0.00010; TOPMed 0.00009; ExAC 0.00013; 1000 Genomes Project 30x 0.00021; 1000 Genomes Project 0.00026.
gnomAD v4.1: 55 of 1,208,127 alleles (0.0046%); highest among the groups gnomAD compares: Admixed American, 0.083%; 1 homozygote.

Submissions (6):

Labcorp Genetics (formerly Invitae), Labcorp
Classification: Benign for Oto-palato-digital syndrome, type II; Heterotopia, periventricular, X-linked dominant; Frontometaphyseal dysplasia; Melnick-Needles syndrome. Last evaluated: 2026-01-12. Review status: criteria provided, single submitter. Criteria: Invitae Variant Classification Sherloc (09022015). Collection method: clinical testing. Allele origin: germline.

Women's Health and Genetics/Laboratory Corporation of America, LabCorp
Classification: Benign. Last evaluated: 2023-10-09. Review status: criteria provided, single submitter. Criteria: LabCorp Variant Classification Summary - May 2015. Collection method: clinical testing. Allele origin: germline.

Blueprint Genetics
Classification: Likely benign. Last evaluated: 2020-08-24. Review status: criteria provided, single submitter. Criteria: ACMG Guidelines, 2015. Collection method: clinical testing. Allele origin: germline.

Athena Diagnostics
Classification: Benign. Last evaluated: 2018-05-01. Review status: criteria provided, single submitter. Criteria: Athena Diagnostics Criteria. Collection method: clinical testing. Allele origin: germline.

Ambry Genetics
Classification: Benign for Familial thoracic aortic aneurysm and aortic dissection. Last evaluated: 2017-11-07. Review status: criteria provided, single submitter. Criteria: Ambry Variant Classification Scheme 2023. Collection method: clinical testing. Allele origin: germline.

GeneDx
Classification: Benign. Last evaluated: 2014-08-12. Review status: criteria provided, single submitter. Criteria: GeneDx Variant Classification (06012015). Collection method: clinical testing. Allele origin: germline. Affected: yes.
Comment: This variant is considered likely benign or benign based on one or more of the following criteria: it is a conservative change, it occurs at a poorly conserved position in the protein, it is predicted to be benign by multiple in silico algorithms, and/or has population frequency not consistent with disease.